The following is an entry in ClinVar:

NM_030578.4(B9D2):c.*18G>A

Gene: B9D2 (B9 domain containing 2; minus strand). Cytogenetic location: 19q13.2.
Variant type: single nucleotide variant.
Coding change: c.*18G>A on transcript NM_030578.4 (MANE Select); 18 bases downstream of the stop codon, G replaced by A.
Molecular consequence: 3 prime UTR variant.
Genome position (GRCh38, 1-based): chr19:41,354,682, C>T on the plus strand (G>A on the coding strand, the complement: B9D2 is on the minus strand). VCF-style: chr19-41354682-C-T. GRCh37 (hg19) VCF-style: chr19-41860587-C-T.
Identifiers: ClinVar variation 261879 (VCV000261879.17), dbSNP rs1800468, ClinGen allele CA9460214.

ClinVar aggregate classification (germline): Benign. Review status: criteria provided, multiple submitters, no conflicts (2 of 4 stars). 5 submissions from 5 submitters: Benign (5). Last evaluated 2025-10-01.

Conditions:
Meckel-Gruber syndrome. Also called: Dysencephalia splachnocystica; DYSENCEPHALIA SPLANCHNOCYSTICA; GRUBER SYNDROME. Identifiers: Orphanet 564, MedGen C0265215, MONDO:0018921.
Joubert syndrome. Also called: CEREBELLOPARENCHYMAL DISORDER IV; JOUBERT-BOLTSHAUSER SYNDROME; Familial aplasia of the vermis. Identifiers: Orphanet 475, MedGen C5979921, MONDO:0018772.
Meckel syndrome, type 10 (MKS10). Identifiers: Orphanet 564, MedGen C3280036, MONDO:0013609, OMIM 614175.

Allele frequency attached by ClinVar (database versions not stated): 1000 Genomes Project 30x 0.04076; 1000 Genomes Project 0.04133; gnomAD 0.05864 and 0.05927; TOPMed 0.05875; gnomAD exomes 0.06220 and 0.07703; ExAC 0.06357; ESP Exome Variant Server 0.06359.
gnomAD v4.1: 121,467 of 1,613,668 alleles (7.5%); highest among the groups gnomAD compares: Middle Eastern, 10%; 5,061 homozygotes.

Submissions (5):

Labcorp Genetics (formerly Invitae), Labcorp
Classification: Benign for Joubert syndrome; Meckel-Gruber syndrome. Last evaluated: 2025-10-01. Review status: criteria provided, single submitter. Criteria: Invitae Variant Classification Sherloc (09022015). Collection method: clinical testing. Allele origin: germline.

Genome-Nilou Lab
Classification: Benign for Meckel syndrome, type 10. Last evaluated: 2021-07-14. Review status: criteria provided, single submitter. Criteria: ACMG Guidelines, 2015. Collection method: clinical testing. Allele origin: germline. Affected: no.

GeneDx
Classification: Benign. Last evaluated: 2018-07-09. Review status: criteria provided, single submitter. Criteria: GeneDx Variant Classification Process June 2021. Collection method: clinical testing. Allele origin: germline. Affected: yes.
Comment: This variant is associated with the following publications: (PMID: 9887336)

Breakthrough Genomics
Classification: Benign. Review status: criteria provided, single submitter. Criteria: ACMG Guidelines, 2015. Collection method: not provided. Allele origin: germline. Inheritance: Autosomal recessive inheritance. Affected: yes.

PreventionGenetics, part of Exact Sciences
Classification: Benign. Review status: criteria provided, single submitter. Criteria: ACMG Guidelines, 2015. Collection method: clinical testing. Allele origin: germline.